The following is an entry in ClinVar:

NM_002016.2(FLG):c.10215C>G (p.Thr3405=)

Genes: CCDST (cervical cancer associated DHX9 suppressive transcript; plus strand), FLG (filaggrin; minus strand). Cytogenetic location: 1q21.3.
Variant type: single nucleotide variant.
Coding change: c.10215C>G on transcript NM_002016.2 (MANE Select); coding-DNA position 10215, C replaced by G.
Protein change: p.Thr3405=; no amino-acid change (threonine 3405 retained).
Molecular consequence: synonymous variant.
Genome position (GRCh38, 1-based): chr1:152,304,671, G>C on the plus strand (C>G on the coding strand, the complement: FLG is on the minus strand). VCF-style: chr1-152304671-G-C. GRCh37 (hg19) VCF-style: chr1-152277147-G-C.
Identifiers: ClinVar variation 2639235 (VCV002639235.24), dbSNP rs138493013, ClinGen allele CA1103469.

ClinVar aggregate classification (germline): Likely benign (1 of 4 stars; one submission).

Allele frequency attached by ClinVar (database versions not stated): ExAC 0.00002; gnomAD 0.00003; TOPMed 0.00003; ESP Exome Variant Server 0.00031.
gnomAD v4.1: 122 of 1,611,764 alleles (0.0076%); highest among the groups gnomAD compares: Non-Finnish European, 0.0099%; 4 homozygotes.

Submission:

CeGaT Center for Human Genetics Tuebingen
Classification: Likely benign. Last evaluated: 2023-01-01. Review status: criteria provided, single submitter. Criteria: CeGaT Center For Human Genetics Tuebingen Variant Classification Criteria Version 2. Collection method: clinical testing. Allele origin: germline. Affected: yes. Observed: 1 variant allele.
Comment: FLG: BP4, BP7